The following is an entry in ClinVar:

ClinVar aggregate classification (germline): Uncertain significance (1 of 4 stars; one submission).

Conditions:
Microcephaly, normal intelligence and immunodeficiency (NBS). Also called: Immunodeficiency, microcephaly with normal intelligence; Ataxia telangiectasia variant V1; BERLIN BREAKAGE SYNDROME; Nijmegen breakage syndrome; Microcephaly with normal intelligence immunodeficiency and lymphoreticular malignancies; Nonsyndromal microcephaly autosomal recessive with normal intelligence. Identifiers: Orphanet 647, MedGen C0398791, MONDO:0009623, OMIM 251260.

Submission:

Labcorp Genetics (formerly Invitae), Labcorp
Classification: Uncertain significance for Microcephaly, normal intelligence and immunodeficiency. Last evaluated: 2022-06-07. Review status: criteria provided, single submitter. Criteria: Invitae Variant Classification Sherloc (09022015). Collection method: clinical testing. Allele origin: germline.
Comment: This variant is not present in population databases (gnomAD no frequency). This sequence change replaces aspartic acid, which is acidic and polar, with alanine, which is neutral and non-polar, at codon 121 of the NBN protein (p.Asp121Ala). This variant has not been reported in the literature in individuals affected with NBN-related conditions. Algorithms developed to predict the effect of missense changes on protein structure and function are either unavailable or do not agree on the potential impact of this missense change (SIFT: "Deleterious"; PolyPhen-2: "Possibly Damaging"; Align-GVGD: "Class C0"). Algorithms developed to predict the effect of sequence changes on RNA splicing suggest that this variant may disrupt the consensus splice site. In summary, the available evidence is currently insufficient to determine the role of this variant in disease. Therefore, it has been classified as a Variant of Uncertain Significance.

NM_002485.5(NBN):c.362A>C (p.Asp121Ala)

Gene: NBN (nibrin; minus strand). Cytogenetic location: 8q21.3.
Variant type: single nucleotide variant.
Coding change: c.362A>C on transcript NM_002485.5 (MANE Select); coding-DNA position 362, A replaced by C.
Protein change: p.Asp121Ala; replaces aspartic acid 121 with alanine.
Molecular consequence: missense variant.
Genome position (GRCh38, 1-based): chr8:89,980,852, T>G on the plus strand (A>C on the coding strand, the complement: NBN is on the minus strand). VCF-style: chr8-89980852-T-G. GRCh37 (hg19) VCF-style: chr8-90993080-T-G.
Other names: c.116A>C, p.Asp39Ala (NM_001024688.3); short protein forms D121A, D39A.
Identifiers: ClinVar variation 2087219 (VCV002087219.4), dbSNP rs770163751, ClinGen allele CA371662082.
Genomic context (GRCh38, chr8:89,980,852, plus strand): 5'-TTTACAGTAAATCCTCCAAGTTGCAATATAGCTTGATTTAAAGCAGTTTTCCCAGAGACA[T>G]CTAAACAAGAAGAGCATGCAACCAAAGGCTCATACTCTATTCTGTAAATGAGAATAAGTT-3'
Protein context (NP_002476.2, residues 111-131): EPLVACSSCL[Asp121Ala]VSGKTALNQA